The following is an entry in ClinVar:

ClinVar aggregate classification (germline): Uncertain significance (1 of 4 stars; one submission).

Submission:

GeneDx
Classification: Uncertain significance. Last evaluated: 2019-05-13. Review status: criteria provided, single submitter. Criteria: GeneDx Variant Classification Process June 2021. Collection method: clinical testing. Allele origin: germline. Affected: yes.
Comment: Not observed in large population cohorts (Lek et al., 2016); In silico analysis, which includes protein predictors and evolutionary conservation, supports that this variant does not alter protein structure/function; Has not been previously published as pathogenic or benign to our knowledge

NM_007325.5(GRIA3):c.627G>A (p.Met209Ile)

Gene: GRIA3 (glutamate ionotropic receptor AMPA type subunit 3; plus strand). Cytogenetic location: Xq25.
Variant type: single nucleotide variant.
Coding change: c.627G>A on transcript NM_007325.5 (MANE Select); coding-DNA position 627, G replaced by A.
Protein change: p.Met209Ile; replaces methionine 209 with isoleucine.
Molecular consequence: missense variant.
Genome position (GRCh38, 1-based): chrX:123,326,144, G>A. VCF-style: chrX-123326144-G-A. GRCh37 (hg19) VCF-style: chrX-122459995-G-A.
Other names: c.627G>A, p.Met209Ile (NM_000828.5); short protein forms M209I.
Identifiers: ClinVar variation 1305572 (VCV001305572.2), dbSNP rs2147332771, ClinGen allele CA414261622.
Genomic context (GRCh38, chrX:123,326,144, plus strand): 5'-AGCAAGGTCTGTGGGAAACATAAAGGACGTCCAAGAATTCAGGCGCATCATTGAAGAAAT[G>A]GACAGGAGGCAGGAAAAGCGATACTTGATTGACTGCGAAGTCGAAAGGATTAACACAATT-3'
Protein context (NP_015564.5, residues 199-219): VQEFRRIIEE[Met209Ile]DRRQEKRYLI